The following is an entry in ClinVar:

NM_024301.5(FKRP):c.828del (p.Leu276_Val277insTer)

Gene: FKRP (fukutin related protein; plus strand). Cytogenetic location: 19q13.32.
Variant type: Deletion.
Coding change: c.828del on transcript NM_024301.5 (MANE Select); coding-DNA position 828, one base deleted (A; older notation c.828delA).
Protein change: p.Leu276_Val277insTer.
Molecular consequence: frameshift variant.
Genome position (GRCh38, 1-based): chr19:46,756,278, A deleted. VCF-style (leftmost placement, unchanged base first): chr19-46756277-TA-T. GRCh37 (hg19) VCF-style: chr19-47259534-TA-T.
Other names: c.828del, p.Leu276_Val277insTer (NM_001039885.3).
Identifiers: ClinVar variation 3000354 (VCV003000354.3), dbSNP rs2513992872, ClinGen allele CA2740096942.

ClinVar aggregate classification (germline): Pathogenic (1 of 4 stars; one submission).

Conditions:
Walker-Warburg congenital muscular dystrophy. Also called: Muscular dystrophy-dystroglycanopathy, type A; Walker-Warburg syndrome. Identifiers: Orphanet 899, MedGen C0265221, MONDO:0000171.

Submission:

Labcorp Genetics (formerly Invitae), Labcorp
Classification: Pathogenic for Walker-Warburg congenital muscular dystrophy. Last evaluated: 2022-11-04. Review status: criteria provided, single submitter. Criteria: Invitae Variant Classification Sherloc (09022015). Collection method: clinical testing. Allele origin: germline.
Comment: This sequence change creates a premature translational stop signal (p.Val277*) in the FKRP gene. While this is not anticipated to result in nonsense mediated decay, it is expected to disrupt the last 219 amino acid(s) of the FKRP protein. This variant is not present in population databases (gnomAD no frequency). This variant has not been reported in the literature in individuals affected with FKRP-related conditions. This variant disrupts a region of the FKRP protein in which other variant(s) (p.Ile478Thr) have been determined to be pathogenic (PMID: 16476814, 18639457, 19299310). This suggests that this is a clinically significant region of the protein, and that variants that disrupt it are likely to be disease-causing. For these reasons, this variant has been classified as Pathogenic.

Literature cited by the submitters: PubMed 16476814; PubMed 18639457; PubMed 19299310.